The following is an entry in ClinVar:

NM_000070.3(CAPN3):c.1353A>G (p.Pro451=)

Gene: CAPN3 (calpain 3; plus strand). Cytogenetic location: 15q15.1.
Variant type: single nucleotide variant.
Coding change: c.1353A>G on transcript NM_000070.3 (MANE Select); coding-DNA position 1353, A replaced by G.
Protein change: p.Pro451=; no amino-acid change (proline 451 retained).
Molecular consequence: synonymous variant.
Genome position (GRCh38, 1-based): chr15:42,399,651, A>G. VCF-style: chr15-42399651-A-G. GRCh37 (hg19) VCF-style: chr15-42691849-A-G.
Other names: c.1353A>G, p.Pro451= (NM_024344.2); c.1209A>G, p.Pro403= (NM_173087.2).
Identifiers: ClinVar variation 3896795 (VCV003896795.1).
Genomic context (GRCh38, chr15:42,399,651, plus strand): 5'-GTCTGTGAACGAGGGCCGCTGGGTACGGGGTTGCTCTGCCGGAGGCTGCCGCAACTTCCC[A>G]GGTGGGAGATGCTCTTGATGGGGGGAGGGTCTAAGCCGAAAAAGTTCCAGGCAGAAGAAG-3'
Protein context (NP_000061.1, residues 441-461): GCSAGGCRNF[Pro451=]DTFWTNPQYR

ClinVar aggregate classification (germline): Uncertain significance (1 of 4 stars; one submission).

Conditions:
Autosomal recessive limb-girdle muscular dystrophy type 2A (LGMDR1). Also called: LEYDEN-MOEBIUS MUSCULAR DYSTROPHY; MUSCULAR DYSTROPHY, PELVOFEMORAL; Limb-girdle muscular dystrophy, type 2A; Muscular dystrophy, limb-girdle, type 2A, Amish; Calpainopathy. Identifiers: Orphanet 267, MedGen C1869123, MONDO:0009675, OMIM 253600. Disease mechanism: loss of function.

Submission:

Kariminejad - Najmabadi Pathology & Genetics Center
Classification: Uncertain significance for Autosomal recessive limb-girdle muscular dystrophy type 2A. Last evaluated: 2017-08-08. Review status: criteria provided, single submitter. Criteria: ACMG Guidelines, 2015. Collection method: clinical testing. Allele origin: germline. Inheritance: Autosomal recessive inheritance. Affected: yes.
Comment: PM2, PP3, PM3_Supporting